The following is an entry in ClinVar:

NM_152564.5(VPS13B):c.3839G>T (p.Ser1280Ile)

Gene: VPS13B (vacuolar protein sorting 13 homolog B; plus strand). Cytogenetic location: 8q22.2.
Variant type: single nucleotide variant.
Coding change: c.3839G>T on transcript NM_152564.5 (MANE Select); coding-DNA position 3839, G replaced by T.
Protein change: p.Ser1280Ile; replaces serine 1280 with isoleucine.
Molecular consequence: missense variant.
Genome position (GRCh38, 1-based): chr8:99,481,771, G>T. VCF-style: chr8-99481771-G-T. GRCh37 (hg19) VCF-style: chr8-100493999-G-T.
Other names: c.3839G>T, p.Ser1280Ile (NM_017890.5); short protein forms S1280I.
Identifiers: ClinVar variation 649364 (VCV000649364.9), dbSNP rs1441125749, ClinGen allele CA371867001.

ClinVar aggregate classification (germline): Uncertain significance. Review status: criteria provided, single submitter (1 of 4 stars). 2 submissions from 2 submitters: Uncertain significance (1). 1 of the submissions does not count toward it. Last evaluated 2022-08-16.

Conditions:
Cohen syndrome (COH1). Also called: PEPPER SYNDROME; Cutis verticis gyrata, retinitis pigmentosa, and sensorineural deafness. Identifiers: Orphanet 193, MedGen C0265223, MONDO:0008999, OMIM 216550.

Submissions (2):

Labcorp Genetics (formerly Invitae), Labcorp
Classification: Uncertain significance for Cohen syndrome. Last evaluated: 2022-08-16. Review status: criteria provided, single submitter. Criteria: Invitae Variant Classification Sherloc (09022015). Collection method: clinical testing. Allele origin: germline.
Comment: ClinVar contains an entry for this variant (Variation ID: 649364). In summary, the available evidence is currently insufficient to determine the role of this variant in disease. Therefore, it has been classified as a Variant of Uncertain Significance. Algorithms developed to predict the effect of missense changes on protein structure and function are either unavailable or do not agree on the potential impact of this missense change (SIFT: "Not Available"; PolyPhen-2: "Probably Damaging"; Align-GVGD: "Not Available"). This variant has not been reported in the literature in individuals affected with VPS13B-related conditions. This variant is not present in population databases (gnomAD no frequency). This sequence change replaces serine, which is neutral and polar, with isoleucine, which is neutral and non-polar, at codon 1280 of the VPS13B protein (p.Ser1280Ile).

Natera, Inc.
Classification: Uncertain significance for Cohen syndrome. Last evaluated: 2020-08-13. Review status: no assertion criteria provided. Collection method: clinical testing. Allele origin: germline. Not counted in ClinVar's aggregate classification.